The following is an entry in ClinVar:

NM_019023.5(PRMT7):c.847del (p.Asp283fs)

Gene: PRMT7 (protein arginine methyltransferase 7; plus strand). Cytogenetic location: 16q22.1.
Variant type: Deletion.
Coding change: c.847del on transcript NM_019023.5 (MANE Select); coding-DNA position 847, one base deleted (G; older notation c.847delG).
Protein change: p.Asp283fs; shifts the reading frame from aspartic acid 283.
Molecular consequence: frameshift variant. On other transcripts: non-coding transcript variant (12).
Genome position (GRCh38, 1-based): chr16:68,339,888, G deleted; the last of 3 consecutive G bases (chr16:68,339,886-68,339,888); deleting any one gives the same sequence. VCF-style (leftmost placement, unchanged base first): chr16-68339885-TG-T. GRCh37 (hg19) VCF-style: chr16-68373788-TG-T.
Other names: c.697del, p.Asp233fs (NM_001184824.4); c.847del, p.Asp283fs (NM_001290018.2, NM_001351143.3, NM_001351144.3 and 1 more transcripts); c.640del, p.Asp214fs (NM_001378020.1); c.610del, p.Asp204fs (NM_001378021.1, NM_001378022.1, NM_001378023.1); short protein forms D214fs, D283fs, D204fs, D233fs.
Identifiers: ClinVar variation 2754073 (VCV002754073.3), dbSNP rs2544840110, ClinGen allele CA2697555923.
Genomic context (GRCh38, chr16:68,339,885, plus strand): 5'-TGCCATAGCAGGCGGTTTGAACCTCTGACATCTGGCCGAGCTCAGGTGGTTCTCTCGTGG[TG>T]GGACATTGAAATGGACCCTGAGGGGAAGATCAAGTGCACCATGGCCCCCTTCTGGGCACA-3'

ClinVar aggregate classification (germline): Pathogenic (1 of 4 stars; one submission).

Submission:

Labcorp Genetics (formerly Invitae), Labcorp
Classification: Pathogenic. Last evaluated: 2023-08-19. Review status: criteria provided, single submitter. Criteria: Invitae Variant Classification Sherloc (09022015). Collection method: clinical testing. Allele origin: germline.
Comment: For these reasons, this variant has been classified as Pathogenic. This variant has not been reported in the literature in individuals affected with PRMT7-related conditions. This variant is not present in population databases (gnomAD no frequency). This sequence change creates a premature translational stop signal (p.Asp283Thrfs*54) in the PRMT7 gene. It is expected to result in an absent or disrupted protein product. Loss-of-function variants in PRMT7 are known to be pathogenic (PMID: 26437029, 27718516).

Literature cited by the submitters: PubMed 26437029; PubMed 27718516.